The following is an entry in ClinVar:

NM_012092.4(ICOS):c.586+3A>G

Gene: ICOS (inducible T cell costimulator; plus strand). Cytogenetic location: 2q33.2.
Variant type: single nucleotide variant.
Coding change: c.586+3A>G on transcript NM_012092.4 (MANE Select); 3 bases into the intron after coding-DNA position 586, A replaced by G.
Molecular consequence: intron variant.
Genome position (GRCh38, 1-based): chr2:203,957,886, A>G. VCF-style: chr2-203957886-A-G. GRCh37 (hg19) VCF-style: chr2-204822609-A-G.
Identifiers: ClinVar variation 835162 (VCV000835162.7), dbSNP rs377370202, ClinGen allele CA2067328.
Genomic context (GRCh38, chr2:203,957,886, plus strand): 5'-AACGGTGAATACATGTTCATGAGAGCAGTGAACACAGCCAAAAAATCTAGACTCACAGGT[A>G]TGACTCCATTTGGGGGTTTGGGAAGGGAAGAGGTTTCTTCACAGTAAGCCTGGAATGTTA-3'

ClinVar aggregate classification (germline): Uncertain significance (1 of 4 stars; one submission).

Conditions:
Immunodeficiency, common variable, 1. Also called: ANTIBODY DEFICIENCY DUE TO ICOS DEFECT. Identifiers: Orphanet 1572, Orphanet 695183, MedGen C3149378, MONDO:0011864, OMIM 607594.

Allele frequency attached by ClinVar (database versions not stated): gnomAD 0.00001; TOPMed 0.00003; ExAC 0.00001; gnomAD exomes 0.00001; ESP Exome Variant Server 0.00008.
gnomAD v4.1: 4 of 1,581,814 alleles (0.00025%); highest among the groups gnomAD compares: African/African-American, 0.0027%; no homozygotes.

Submission:

Labcorp Genetics (formerly Invitae), Labcorp
Classification: Uncertain significance for Immunodeficiency, common variable, 1. Last evaluated: 2019-12-20. Review status: criteria provided, single submitter. Criteria: Invitae Variant Classification Sherloc (09022015). Collection method: clinical testing. Allele origin: germline.
Comment: In summary, the available evidence is currently insufficient to determine the role of this variant in disease. Therefore, it has been classified as a Variant of Uncertain Significance. Nucleotide substitutions within the consensus splice site are a relatively common cause of aberrant splicing (PMID: 17576681, 9536098). Algorithms developed to predict the effect of sequence changes on RNA splicing suggest that this variant may disrupt the consensus splice site, but this prediction has not been confirmed by published transcriptional studies. This variant has not been reported in the literature in individuals with ICOS-related conditions. This variant is present in population databases (rs377370202, ExAC 0.01%). This sequence change falls in intron 4 of the ICOS gene. It does not directly change the encoded amino acid sequence of the ICOS protein, but it affects a nucleotide within the consensus splice site of the intron.

Literature cited by the submitters: PubMed 17576681; PubMed 9536098.